The following is an entry in ClinVar:

NM_005051.3(QARS1):c.787_789+3del

Gene: QARS1 (glutaminyl-tRNA synthetase 1; minus strand). Cytogenetic location: 3p21.31.
Variant type: Deletion.
Coding change: c.787_789+3del on transcript NM_005051.3 (MANE Select); coding-DNA position 787 through 3 bases into the intron after coding-DNA position 789, 6 bases deleted (CAGGTG; older notation c.787_789+3delCAGGTG).
Molecular consequence: splice donor variant.
Genome position (GRCh38, 1-based): chr3:49,101,617-49,101,622, CACCTG deleted on the plus strand (CAGGTG on the coding strand, the reverse complement: QARS1 is on the minus strand); deleting any 6 consecutive bases within chr3:49,101,617-49,101,623 gives the same sequence; the c. name uses the placement nearest the transcript's 3' end. VCF-style (leftmost placement, unchanged base first): chr3-49101616-ACACCTG-A. GRCh37 (hg19) VCF-style: chr3-49139049-ACACCTG-A.
Other names: c.754_756+3del (NM_001272073.2).
Identifiers: ClinVar variation 2093295 (VCV002093295.4), dbSNP rs2471856206, ClinGen allele CA2580070084.

ClinVar aggregate classification (germline): Likely pathogenic (1 of 4 stars; one submission).

Conditions:
Diffuse cerebral and cerebellar atrophy - intractable seizures - progressive microcephaly syndrome. Also called: Microcephaly, progressive, with seizures and cerebral and cerebellar atrophy. Identifiers: Orphanet 404437, MedGen C4014239, MONDO:0014335, OMIM 615760.

Submission:

Labcorp Genetics (formerly Invitae), Labcorp
Classification: Likely pathogenic for Diffuse cerebral and cerebellar atrophy - intractable seizures - progressive microcephaly syndrome. Last evaluated: 2022-10-05. Review status: criteria provided, single submitter. Criteria: Invitae Variant Classification Sherloc (09022015). Collection method: clinical testing. Allele origin: germline.
Comment: In summary, the currently available evidence indicates that the variant is pathogenic, but additional data are needed to prove that conclusively. Therefore, this variant has been classified as Likely Pathogenic. Algorithms developed to predict the effect of sequence changes on RNA splicing suggest that this variant may disrupt the consensus splice site. This variant has not been reported in the literature in individuals affected with QARS-related conditions. This variant is not present in population databases (gnomAD no frequency). This variant results in the deletion of part of exon 9 of the QARS gene. It is expected to disrupt RNA splicing. Variants that disrupt the donor or acceptor splice site typically lead to a loss of protein function (PMID: 16199547), and loss-of-function variants in QARS are known to be pathogenic (PMID: 24656866, 25471517).

Literature cited by the submitters: PubMed 16199547; PubMed 24656866; PubMed 25471517.